The following is an entry in ClinVar:

NM_032119.4(ADGRV1):c.8845C>T (p.Gln2949Ter)

Gene: ADGRV1 (adhesion G protein-coupled receptor V1; plus strand). Cytogenetic location: 5q14.3.
Variant type: single nucleotide variant.
Coding change: c.8845C>T on transcript NM_032119.4 (MANE Select); coding-DNA position 8845, C replaced by T.
Protein change: p.Gln2949Ter; replaces glutamine 2949 with a stop codon.
Molecular consequence: nonsense. On other transcripts: non-coding transcript variant (1).
Genome position (GRCh38, 1-based): chr5:90,711,001, C>T. VCF-style: chr5-90711001-C-T. GRCh37 (hg19) VCF-style: chr5-90006818-C-T.
Other names: short protein forms Q2949*.
Identifiers: ClinVar variation 3775637 (VCV003775637.1).
Genomic context (GRCh38, chr5:90,711,001, plus strand): 5'-ATTTATATGTATTTTAAGATATGCTTCTATGTTTTTTAAGATTCAGAAGGTTTGACTGCA[C>T]AAGTTATTATTGATGCCAATGATGGGGCCCGAGGTGTAATTGAATGGCAACAAAGCAGGT-3'

ClinVar aggregate classification (germline): Likely pathogenic (1 of 4 stars; one submission).

Conditions:
Usher syndrome type 2C. Also called: Usher syndrome, type 2B; USHER SYNDROME, TYPE IIC. Identifiers: Orphanet 231178, Orphanet 886, MedGen C2931213, MONDO:0011558, OMIM 605472.

Submission:

3billion
Classification: Likely pathogenic for Usher syndrome type 2C. Last evaluated: 2024-01-11. Review status: criteria provided, single submitter. Criteria: ACMG Guidelines, 2015. Collection method: clinical testing. Allele origin: germline. Affected: yes.
Comment: The variant is not observed in the gnomAD v2.1.1 dataset. Predicted Consequence/Location: Stop-gained (nonsense): predicted to result in a loss or disruption of normal protein function through nonsense-mediated decay (NMD) or protein truncation. Multiple pathogenic variants are reported downstream of the variant. Therefore, this variant is classified as Likely pathogenic according to the recommendation of ACMG/AMP guideline.